The following is an entry in ClinVar:

ClinVar aggregate classification (germline): Pathogenic (1 of 4 stars; one submission).

Allele frequency attached by ClinVar (database versions not stated): gnomAD 0.00001; gnomAD exomes 0.00001 and 0.00002; ExAC 0.00002; TOPMed 0.00002.

Submission:

Labcorp Genetics (formerly Invitae), Labcorp
Classification: Pathogenic. Last evaluated: 2024-09-04. Review status: criteria provided, single submitter. Criteria: Invitae Variant Classification Sherloc (09022015). Collection method: clinical testing. Allele origin: germline.
Comment: This sequence change creates a premature translational stop signal (p.Arg801Asnfs*2) in the ADCY10 gene. It is expected to result in an absent or disrupted protein product. Loss-of-function variants in ADCY10 are known to be pathogenic (PMID: 31119281). This variant is present in population databases (rs757428388, gnomAD 0.003%). This variant has not been reported in the literature in individuals affected with ADCY10-related conditions. ClinVar contains an entry for this variant (Variation ID: 933870). For these reasons, this variant has been classified as Pathogenic.

Literature cited by the submitters: PubMed 31119281.

NM_018417.6(ADCY10):c.2402del (p.Arg801fs)

Gene: ADCY10 (adenylate cyclase 10; minus strand). Cytogenetic location: 1q24.2.
Variant type: Deletion.
Coding change: c.2402del on transcript NM_018417.6 (MANE Select); coding-DNA position 2402, one base deleted (G; older notation c.2402delG).
Protein change: p.Arg801fs; shifts the reading frame from arginine 801.
Molecular consequence: frameshift variant.
Genome position (GRCh38, 1-based): chr1:167,848,396, C deleted on the plus strand (G on the coding strand, the reverse complement: ADCY10 is on the minus strand). VCF-style (leftmost placement, unchanged base first): chr1-167848395-TC-T. GRCh37 (hg19) VCF-style: chr1-167817633-TC-T.
Other names: c.1943del, p.Arg648fs (NM_001167749.3); c.2126del, p.Arg709fs (NM_001297772.2); short protein forms R709fs, R648fs, R801fs.
Identifiers: ClinVar variation 933870 (VCV000933870.6), dbSNP rs757428388, ClinGen allele CA1227649.
Genomic context (GRCh38, chr1:167,848,395, plus strand): 5'-CACTGCGCCCGGCCAGATTTTCTTACCTTTTAATGACGTTGGAGGTGACAGGTTTTTCAG[TC>T]TGACACCACTTGTGAGGTGACAGACTTCTTCACTTTCCTTATCACTATGGAGAGTAACCA-3'